The following is an entry in ClinVar:

NM_000558.5(HBA1):c.99G>A (p.Met33Ile)

Genes: HBA1 (hemoglobin subunit alpha 1; plus strand), LOC106804613 (hemoglobin subunit alpha 1 recombination region; plus strand). Cytogenetic location: 16p13.3.
Variant type: single nucleotide variant.
Coding change: c.99G>A on transcript NM_000558.5 (MANE Select); coding-DNA position 99, G replaced by A.
Protein change: p.Met33Ile; replaces methionine 33 with isoleucine.
Molecular consequence: missense variant.
Genome position (GRCh38, 1-based): chr16:176,932, G>A. VCF-style: chr16-176932-G-A. GRCh37 (hg19) VCF-style: chr16-226931-G-A.
Other names: short protein forms M33I.
Identifiers: ClinVar variation 3075901 (VCV003075901.2), dbSNP rs1455943416, ClinGen allele CA393995041.
Genomic context (GRCh38, chr16:176,932, plus strand): 5'-CTCAACCGTCCTGGCCCCGGACCCAAACCCCACCCCTCACTCTGCTTCTCCCCGCAGGAT[G>A]TTCCTGTCCTTCCCCACCACCAAGACCTACTTCCCGCACTTCGACCTGAGCCACGGCTCT-3'
Protein context (NP_000549.1, residues 23-43): GEYGAEALER[Met33Ile]FLSFPTTKTY

ClinVar aggregate classification (germline): Likely pathogenic. Review status: criteria provided, multiple submitters, no conflicts (2 of 4 stars). 2 submissions from 2 submitters: Likely pathogenic (2). Last evaluated 2024-02-13.

Conditions:
Erythrocytosis, familial, 7. Also called: ERYTHROCYTOSIS, ALPHA-GLOBIN TYPE; POLYCYTHEMIA, ALPHA-GLOBIN TYPE; ERYTHROCYTOSIS 7. Identifiers: MedGen C4693823, MONDO:0054802, OMIM 617981.
Hemoglobin H disease (HBH). Also called: ALPHA-THALASSEMIA, HEMOGLOBIN H TYPE; HEMOGLOBIN H DISEASE, DELETIONAL; Hemoglobin H (HbH) Disease. Identifiers: Orphanet 93616, MedGen C3161174, MONDO:0013512, OMIM 613978. Disease mechanism: loss of function.
alpha Thalassemia. Also called: Alpha thalassemia spectrum. Identifiers: Orphanet 846, MedGen C0002312, MONDO:0011399, OMIM 604131.
Heinz body anemia. Also called: Heinz body hemolytic anemia. Identifiers: Orphanet 178330, MedGen C0700299, MONDO:0007705, OMIM 140700, HP:0005511.
Methemoglobinemia, alpha type. Identifiers: MedGen C4693798, MONDO:0020835, OMIM 617973.

Submissions (2):

Fulgent Genetics
Classification: Likely pathogenic for Heinz body anemia; alpha Thalassemia; Hemoglobin H disease; Methemoglobinemia, alpha type; Erythrocytosis, familial, 7. Last evaluated: 2024-02-13. Review status: criteria provided, single submitter. Criteria: ACMG Guidelines, 2015. Collection method: clinical testing. Allele origin: germline.

Laboratory for Molecular Medicine, Mass General Brigham Personalized Medicine
Classification: Likely pathogenic for alpha Thalassemia. Last evaluated: 2022-11-03. Review status: criteria provided, single submitter. Criteria: ACMG Guidelines, 2015. Collection method: clinical testing. Allele origin: germline.
Comment: The p.Met33Ile, also known as Met32Ile or Hb Amsterdam variant, in HBA2 has been reported in at least 1 individual with microcytic anemia (Brennan 2017 PMID: 28696843). It has been reported in ClinVar (Variation ID 811488) and was identified in 7/40316 African chromosomes by gnomAD. Computational prediction tools and conservation analyses do not provide strong support for or against an impact to the protein. However, this variant occurs in a region important for alpha-beta globin contacts and is also predicted to interact with the alpha globin heme group and in vitro functional studies using patient samples indicate it is highly unstable (Brennan 2017 PMID: 28696843). Additional variants involving this codon (p.Met33Arg, p.Met33Lys) have been identified in individuals with microcytic anemia. In summary, although additional studies are required to fully establish its clinical significance, this variant meets criteria to be classified as likely pathogenic for autosomal recessive alpha thalassemia. ACMG/AMP criteria applied: PS3_Strong, PM3, PM2_Supporting